The following is an entry in ClinVar:

ClinVar aggregate classification (germline): Uncertain significance. Review status: criteria provided, multiple submitters, no conflicts (2 of 4 stars). 2 submissions from 2 submitters: Uncertain significance (2). Last evaluated 2024-12-18.

Conditions:
LRP2-related disorder. Also called: LRP2-related condition.

Submissions (2):

PreventionGenetics, part of Exact Sciences
Classification: Uncertain significance for LRP2-related condition. Last evaluated: 2024-12-18. Review status: criteria provided, single submitter. Criteria: ACMG Guidelines, 2015. Collection method: clinical testing. Allele origin: germline.
Comment: The LRP2 c.4618G>A variant is predicted to result in the amino acid substitution p.Gly1540Arg. To our knowledge, this variant has not been reported in the literature or in a large population database (gnomAD), indicating this variant is rare. At this time, the clinical significance of this variant is uncertain due to the absence of conclusive functional and genetic evidence.

Labcorp Genetics (formerly Invitae), Labcorp
Classification: Uncertain significance. Last evaluated: 2023-07-21. Review status: criteria provided, single submitter. Criteria: Invitae Variant Classification Sherloc (09022015). Collection method: clinical testing. Allele origin: germline.
Comment: In summary, the available evidence is currently insufficient to determine the role of this variant in disease. Therefore, it has been classified as a Variant of Uncertain Significance. Advanced modeling of protein sequence and biophysical properties (such as structural, functional, and spatial information, amino acid conservation, physicochemical variation, residue mobility, and thermodynamic stability) performed at Invitae indicates that this missense variant is expected to disrupt LRP2 protein function. ClinVar contains an entry for this variant (Variation ID: 1373578). This variant has not been reported in the literature in individuals affected with LRP2-related conditions. This variant is not present in population databases (gnomAD no frequency). This sequence change replaces glycine, which is neutral and non-polar, with arginine, which is basic and polar, at codon 1540 of the LRP2 protein (p.Gly1540Arg).

NM_004525.3(LRP2):c.4618G>A (p.Gly1540Arg)

Gene: LRP2 (LDL receptor related protein 2; minus strand). Cytogenetic location: 2q31.1.
Variant type: single nucleotide variant.
Coding change: c.4618G>A on transcript NM_004525.3 (MANE Select); coding-DNA position 4618, G replaced by A.
Protein change: p.Gly1540Arg; replaces glycine 1540 with arginine.
Molecular consequence: missense variant.
Genome position (GRCh38, 1-based): chr2:169,237,176, C>T on the plus strand (G>A on the coding strand, the complement: LRP2 is on the minus strand). VCF-style: chr2-169237176-C-T. GRCh37 (hg19) VCF-style: chr2-170093686-C-T.
Other names: c.4618G>A (NM_004525.2); short protein forms G1540R.
Identifiers: ClinVar variation 1373578 (VCV001373578.8), dbSNP rs2105377092, ClinGen allele CA349143341.